The following is an entry in ClinVar:

ClinVar aggregate classification (germline): Pathogenic (1 of 4 stars; one submission).

Conditions:
Nephronophthisis. Also called: Juvenile Nephronophthisis. Identifiers: Orphanet 655, MedGen C0687120, MONDO:0019005, HP:0000090.
Meckel-Gruber syndrome. Also called: DYSENCEPHALIA SPLANCHNOCYSTICA; GRUBER SYNDROME; Dysencephalia splachnocystica. Identifiers: Orphanet 564, MedGen C0265215, MONDO:0018921.
Joubert syndrome. Also called: CEREBELLOPARENCHYMAL DISORDER IV; JOUBERT-BOLTSHAUSER SYNDROME; Familial aplasia of the vermis. Identifiers: Orphanet 475, MedGen C5979921, MONDO:0018772.

Submission:

Labcorp Genetics (formerly Invitae), Labcorp
Classification: Pathogenic for Joubert syndrome; Meckel-Gruber syndrome; Nephronophthisis. Last evaluated: 2021-07-03. Review status: criteria provided, single submitter. Criteria: Invitae Variant Classification Sherloc (09022015). Collection method: clinical testing. Allele origin: germline.
Comment: This variant has not been reported in the literature in individuals affected with CEP290-related conditions. For these reasons, this variant has been classified as Pathogenic. This sequence change creates a premature translational stop signal (p.Leu517Phefs*3) in the CEP290 gene. It is expected to result in an absent or disrupted protein product. Loss-of-function variants in CEP290 are known to be pathogenic (PMID: 16909394, 17345604, 20690115). This variant is not present in population databases (ExAC no frequency).

Literature cited by the submitters: PubMed 16909394; PubMed 17345604; PubMed 20690115.

NM_025114.4(CEP290):c.1550dup (p.Leu517fs)

Gene: CEP290 (centrosomal protein 290; minus strand). Cytogenetic location: 12q21.32.
Variant type: Duplication.
Coding change: c.1550dup on transcript NM_025114.4 (MANE Select); coding-DNA position 1550, one base duplicated (T; older notation c.1550dupT).
Protein change: p.Leu517fs; shifts the reading frame from leucine 517.
Molecular consequence: frameshift variant.
Genome position (GRCh38, 1-based): chr12:88,118,716, A duplicated on the plus strand (T on the coding strand, the reverse complement: CEP290 is on the minus strand); the first of 3 consecutive A bases (chr12:88,118,716-88,118,718); duplicating any one gives the same sequence. VCF-style (leftmost placement, unchanged base first): chr12-88118715-T-TA. GRCh37 (hg19) VCF-style: chr12-88512492-T-TA.
Other names: short protein forms L517fs.
Identifiers: ClinVar variation 1449035 (VCV001449035.6), dbSNP rs62640579, ClinGen allele CA2573149022.